The following is an entry in ClinVar:

ClinVar aggregate classification (germline): Pathogenic. Review status: reviewed by expert panel (3 of 4 stars). 11 submissions from 11 submitters: Pathogenic (1). 10 of the submissions do not count toward it. Last evaluated 2016-09-08.

Conditions:
Hereditary cancer-predisposing syndrome. Also called: Hereditary Cancer Syndrome; Hereditary neoplastic syndrome; Neoplastic Syndromes, Hereditary; Tumor predisposition. Identifiers: Orphanet 140162, MedGen C0027672, MeSH D009386, MONDO:0015356.
Breast-ovarian cancer, familial, susceptibility to, 1 (BROVCA1). Also called: BRCA1 Hereditary Breast and Ovarian Cancer; OVARIAN CANCER, SUSCEPTIBILITY TO. Identifiers: Orphanet 145, MedGen C2676676, MONDO:0011450, OMIM 604370. Disease mechanism: loss of function.
Hereditary breast ovarian cancer syndrome. Also called: BRCA1- and BRCA2-Associated Hereditary Breast and Ovarian Cancer; Hereditary breast and ovarian cancer syndrome; Hereditary breast and ovarian cancer syndrome (HBOC); Breast and ovarian cancer; Hereditary breast and/or ovarian cancer syndrome; Hereditary breast and ovarian cancer. Identifiers: Orphanet 145, MedGen C0677776, MeSH D061325, MONDO:0003582. Disease mechanism: loss of function.

Allele frequency attached by ClinVar (database versions not stated): gnomAD exomes below 0.00001.
gnomAD v4.1: 1 of 1,614,222 alleles (0.000062%); highest among the groups gnomAD compares: South Asian, 0.0011%; no homozygotes.

Submissions (11):

Evidence-based Network for the Interpretation of Germline Mutant Alleles (ENIGMA)
Classification: Pathogenic for Breast-ovarian cancer, familial, susceptibility to, 1. Last evaluated: 2016-09-08. Review status: reviewed by expert panel. Criteria: ENIGMA BRCA1/2 Classification Criteria (2015). Collection method: curation. Allele origin: germline.
Comment: Variant allele predicted to encode a truncated non-functional protein.

Labcorp Genetics (formerly Invitae), Labcorp
Classification: Pathogenic for Hereditary breast ovarian cancer syndrome. Last evaluated: 2025-11-03. Review status: criteria provided, single submitter. Criteria: Invitae Variant Classification Sherloc (09022015). Collection method: clinical testing. Allele origin: germline. Not counted in ClinVar's aggregate classification.
Comment: This sequence change creates a premature translational stop signal (p.Gln1299*) in the BRCA1 gene. It is expected to result in an absent or disrupted protein product. Loss-of-function variants in BRCA1 are known to be pathogenic (PMID: 20104584). This variant is not present in population databases (gnomAD no frequency). This premature translational stop signal has been observed in individual(s) with breast cancer, and ovarian cancer (PMID: 12204006). ClinVar contains an entry for this variant (Variation ID: 55040). For these reasons, this variant has been classified as Pathogenic.

Baylor Genetics
Classification: Pathogenic for Breast-ovarian cancer, familial, susceptibility to, 1. Last evaluated: 2023-10-18. Review status: criteria provided, single submitter. Criteria: ACMG Guidelines, 2015. Collection method: clinical testing. Allele origin: unknown. Not counted in ClinVar's aggregate classification.

Ambry Genetics
Classification: Pathogenic for Hereditary cancer-predisposing syndrome. Last evaluated: 2022-01-31. Review status: criteria provided, single submitter. Criteria: Ambry Variant Classification Scheme 2023. Collection method: clinical testing. Allele origin: germline. Not counted in ClinVar's aggregate classification.
Comment: The p.Q1299* pathogenic mutation (also known as c.3895C>T), is located in coding exon 9 of the BRCA1 gene. This alteration results from a C to T substitution at nucleotide position 3895. This changes the amino acid from a glutamine to a stop codon within coding exon 9. This mutation has been detected in numerous Korean breast and/ or ovarian cancer patients and/ or families (Kang HC et al. Hum Mutat. 2002;20(3):235, Park JS et al. Clin Breast Cancer. 2018 10;18:362-373.e1; Choi MC et al. J Gynecol Oncol. 2018 Jul;29:e43; Bang YJ et al. Cancer Res Treat. 2021 Oct;:). This variant is considered to be rare based on population cohorts in the Genome Aggregation Database (gnomAD). In addition to the clinical data presented in the literature, this alteration is expected to result in loss of function by premature protein truncation or nonsense-mediated mRNA decay. As such, this alteration is interpreted as a disease-causing mutation.

GeneDx
Classification: Pathogenic. Last evaluated: 2018-11-21. Review status: criteria provided, single submitter. Criteria: GeneDx Variant Classification (06012015). Collection method: clinical testing. Allele origin: germline. Affected: yes. Not counted in ClinVar's aggregate classification.
Comment: This variant is denoted BRCA1 c.3895C>T at the cDNA level and p.Gln1299Ter (Q1299X) at the protein level. The substitution creates a nonsense variant, which changes a Glutamine to a premature stop codon (CAG>TAG), and is predicted to cause loss of normal protein function through either protein truncation or nonsense-mediated mRNA decay. This variant, also reported as BRCA1 4014C>T using alternate nomenclature, has been reported in several Korean families with breast and/or ovarian cancer (Kang 2002, Shin 2016, Choi 2018). Based on currently available evidence, we consider this variant to be pathogenic.

Department of Pathology and Molecular Medicine, Queen's University
Classification: Pathogenic for Hereditary breast ovarian cancer syndrome. Last evaluated: 2017-04-20. Review status: criteria provided, single submitter. Criteria: ACMG Guidelines, 2015. Collection method: clinical testing. Allele origin: germline. Study: The Canadian Open Genetics Repository (COGR). Not counted in ClinVar's aggregate classification.

Quest Diagnostics Nichols Institute San Juan Capistrano
Classification: Pathogenic. Last evaluated: 2017-04-17. Review status: criteria provided, single submitter. Criteria: Quest Diagnostics criteria. Collection method: clinical testing. Allele origin: germline. Not counted in ClinVar's aggregate classification.

Consortium of Investigators of Modifiers of BRCA1/2 (CIMBA), c/o University of Cambridge
Classification: Pathogenic for Breast-ovarian cancer, familial, susceptibility to, 1. Last evaluated: 2015-10-02. Review status: criteria provided, single submitter. Criteria: CIMBA Mutation Classification guidelines May 2016. Collection method: clinical testing. Allele origin: germline. Not counted in ClinVar's aggregate classification.

Counsyl
Classification: Likely pathogenic for Breast-ovarian cancer, familial, susceptibility to, 1. Last evaluated: 2016-10-18. Review status: no assertion criteria provided. Collection method: clinical testing. Allele origin: unknown. Not counted in ClinVar's aggregate classification.

Research Molecular Genetics Laboratory, Women's College Hospital, University of Toronto
Classification: Pathogenic for Hereditary breast ovarian cancer syndrome. Last evaluated: 2014-01-31. Review status: no assertion criteria provided. Collection method: research. Allele origin: germline. Affected: yes. Study: The Canadian Open Genetics Repository (COGR). Not counted in ClinVar's aggregate classification.

Breast Cancer Information Core (BIC) (BRCA1)
Classification: Pathogenic for Breast-ovarian cancer, familial 1. Last evaluated: 2003-12-23. Review status: no assertion criteria provided. Collection method: clinical testing. Allele origin: germline. Affected: yes. Observed: 1 variant allele. Not counted in ClinVar's aggregate classification.

Literature cited by the submitters: PubMed 20104584 (cited by Labcorp Genetics (formerly Invitae), Labcorp); PubMed 12204006 (cited by 3 submitters); PubMed 29673794 (cited by Ambry Genetics); PubMed 29770616 (cited by Ambry Genetics); PubMed 34645131 (cited by Ambry Genetics); PubMed 25525159 (cited by Quest Diagnostics Nichols Institute San Juan Capistrano).

NM_007294.4(BRCA1):c.3895C>T (p.Gln1299Ter)

Genes: BRCA1 (BRCA1 DNA repair associated; minus strand), LOC126862571 (BRD4-independent group 4 enhancer GRCh37_chr17:41243136-41244335; plus strand). Cytogenetic location: 17q21.31.
Variant type: single nucleotide variant.
Coding change: c.3895C>T on transcript NM_007294.4 (MANE Select); coding-DNA position 3895, C replaced by T.
Protein change: p.Gln1299Ter; replaces glutamine 1299 with a stop codon.
Molecular consequence: nonsense. On other transcripts: intron variant (135).
Genome position (GRCh38, 1-based): chr17:43,091,636, G>A on the plus strand (C>T on the coding strand, the complement: BRCA1 is on the minus strand). VCF-style: chr17-43091636-G-A. GRCh37 (hg19) VCF-style: chr17-41243653-G-A.
Other names: c.785-604C>T (NM_001407991.1, NM_001408407.1, NM_001408402.1 and 13 more transcripts); c.665-604C>T (NM_001408427.1, NM_001408443.1, NM_001408439.1 and 12 more transcripts); c.524-604C>T (NM_001408496.1, NM_001408499.1, NM_001408498.1 and 3 more transcripts); c.647-604C>T (NM_001408460.1, NM_001408454.1, NM_001408456.1 and 11 more transcripts); c.707-604C>T (NM_001408413.1, NM_001408416.1); c.587-604C>T (NM_001408476.1, NM_001408474.1); c.710-604C>T (NM_001408409.1, NM_001408414.1, NM_001408411.1 and 2 more transcripts); c.575-604C>T (NM_001408493.1, NM_001408490.1, NM_001408491.1); and 41 more; short protein forms Q1299*, Q1252*, Q1210*, Q1231*, Q1298*, Q1003*, Q1171*, Q1187*.
Identifiers: ClinVar variation 55040 (VCV000055040.23), dbSNP rs80357038, ClinGen allele CA002505.
Genomic context (GRCh38, chr17:43,091,636, plus strand): 5'-CAATCAAGAAAGGATCCTGGGTGTTTGTATTTGCAGTCAAGTCTTCCAATTCACTGCACT[G>A]TGAAGAAAACAAGCTAGCAGAACATTTTGTTTCCTCACTAAGGTGATGTTCCTGAGATGC-3'